The following is an entry in ClinVar:

ClinVar aggregate classification (germline): Uncertain significance (1 of 4 stars; one submission).

Conditions:
Immunodeficiency, common variable, 7. Identifiers: Orphanet 1572, Orphanet 696894, MedGen C3542922, MONDO:0013862, OMIM 614699.

Allele frequency attached by ClinVar (database versions not stated): gnomAD exomes 0.00002; ExAC 0.00002.
gnomAD v4.1: 11 of 1,613,902 alleles (0.00068%); highest among the groups gnomAD compares: East Asian, 0.022%; no homozygotes.

Submission:

Labcorp Genetics (formerly Invitae), Labcorp
Classification: Uncertain significance for Immunodeficiency, common variable, 7. Last evaluated: 2023-05-24. Review status: criteria provided, single submitter. Criteria: Invitae Variant Classification Sherloc (09022015). Collection method: clinical testing. Allele origin: germline.
Comment: In summary, the available evidence is currently insufficient to determine the role of this variant in disease. Therefore, it has been classified as a Variant of Uncertain Significance. An algorithm developed to predict the effect of missense changes on protein structure and function (PolyPhen-2) suggests that this variant is likely to be disruptive. This variant has not been reported in the literature in individuals affected with CR2-related conditions. This variant is present in population databases (rs773257775, gnomAD 0.02%). This sequence change replaces leucine, which is neutral and non-polar, with valine, which is neutral and non-polar, at codon 445 of the CR2 protein (p.Leu445Val).

NM_001006658.3(CR2):c.1333C>G (p.Leu445Val)

Gene: CR2 (complement C3d receptor 2; plus strand). Cytogenetic location: 1q32.2.
Variant type: single nucleotide variant.
Coding change: c.1333C>G on transcript NM_001006658.3 (MANE Select); coding-DNA position 1333, C replaced by G.
Protein change: p.Leu445Val; replaces leucine 445 with valine.
Molecular consequence: missense variant.
Genome position (GRCh38, 1-based): chr1:207,470,847, C>G. VCF-style: chr1-207470847-C-G. GRCh37 (hg19) VCF-style: chr1-207644192-C-G.
Other names: c.1333C>G, p.Leu445Val (NM_001877.5); short protein forms L445V.
Identifiers: ClinVar variation 3000258 (VCV003000258.3), dbSNP rs773257775, ClinGen allele CA1368688.